The following is an entry in ClinVar:

NM_001382391.1(CSPP1):c.255_256del (p.His85fs)

Gene: CSPP1 (centrosome and spindle pole associated protein 1; plus strand). Cytogenetic location: 8q13.1.
Variant type: Deletion.
Coding change: c.255_256del on transcript NM_001382391.1 (MANE Select); coding-DNA positions 255 to 256, 2 bases deleted (TA; older notation c.255_256delTA).
Protein change: p.His85fs; shifts the reading frame from histidine 85.
Molecular consequence: frameshift variant. On other transcripts: 5 prime UTR variant (1).
Genome position (GRCh38, 1-based): chr8:67,086,062-67,086,063, TA deleted; deleting any 2 consecutive bases within chr8:67,086,061-67,086,063 gives the same sequence; the c. name uses the placement nearest the transcript's 3' end. VCF-style (leftmost placement, unchanged base first): chr8-67086060-CAT-C. GRCh37 (hg19) VCF-style: chr8-67998295-CAT-C.
Other names: c.363_364delTA (NM_024790.6); c.362_363delAT (NM_024790.6); c.-520_-519del (NM_001291339.2); c.255_256del, p.His85fs (NM_001363131.2, NM_001363132.2, NM_001363133.2); c.363_364del, p.His121fs (NM_001364869.1, NM_001364870.1); c.363_364delTA, p.His121Glnfs (NM_024790.7); short protein forms H85fs, H121fs.
Identifiers: ClinVar variation 100673 (VCV000100673.13), dbSNP rs1554562278, ClinGen allele CA150614.

ClinVar aggregate classification (germline): Pathogenic. Review status: criteria provided, multiple submitters, no conflicts (2 of 4 stars). 8 submissions from 8 submitters: Pathogenic (5). 3 of the submissions do not count toward it. Last evaluated 2025-11-29.

Conditions:
CSPP1-related disorder. Also called: CSPP1-related condition.
Joubert syndrome 21 (JBTS21). Identifiers: MedGen C3810212, MONDO:0014288, OMIM 615636.

Submissions (8):

Clinical Genomics Laboratory, Washington University in St. Louis
Classification: Pathogenic for Joubert syndrome 21. Last evaluated: 2025-11-29. Review status: criteria provided, single submitter. Criteria: ACMG Guidelines, 2015. Collection method: clinical testing. Allele origin: germline. Affected: yes.
Comment: The CSPP1 c.255_256del (p.His85Glnfs*24), also reported as NM_024790.6:c.363_364delTA (p.His121Glnfs*22), has been reported in four affected individuals in three unrelated families. Of those individuals, three individuals (two siblings) were homozygous for the variant while one individual was compound heterozygous for the variant and a pathogenic variant in trans (Bachmann-Gagescu R et al., PMID: 26092869; Shaheen R et al., PMID: 24360803). This variant causes a frameshift by deleting two nucleotides, leading to a premature termination codon, which is predicted to lead to nonsense mediated decay. This variant is only observed on 1/249,318 alleles in the general population (gnomAD v2.1.1), indicating it is not a common variant. This variant has been reported in the ClinVar database as a germline pathogenic variant by three submitters. Based on available information and the ACMG/AMP guidelines for variant interpretation (Richards S et al., PMID: 25741868), this variant is classified as pathogenic.The CSPP1 c.2379_2380del (p.Lys794Argfs*9) variant, to our knowledge, has not been reported in the medical literature. This variant causes a frameshift by deleting two nucleotides, leading to a premature termination codon, which is predicted to lead to nonsense mediated decay. This variant is only observed on 3/257,406 alleles in the general population (gnomAD v2.1.1), indicating it is not a common variant. This variant has been reported in the ClinVar database as a germline pathogenic variant by one submitter. Based on available information and the ACMG/AMP guidelines for variant interpretation (Richards S et al., PMID: 25741868), this variant is classified as pathogenic.

Labcorp Genetics (formerly Invitae), Labcorp
Classification: Pathogenic for Joubert syndrome 21. Last evaluated: 2024-10-15. Review status: criteria provided, single submitter. Criteria: Invitae Variant Classification Sherloc (09022015). Collection method: clinical testing. Allele origin: germline.
Comment: This sequence change creates a premature translational stop signal (p.His121Glnfs*22) in the CSPP1 gene. It is expected to result in an absent or disrupted protein product. Loss-of-function variants in CSPP1 are known to be pathogenic (PMID: 24360807, 24360808). This variant is present in population databases (no rsID available, gnomAD 0.0009%). This premature translational stop signal has been observed in individual(s) with Joubert syndrome (PMID: 24360803, 26092869). In at least one individual the data is consistent with being in trans (on the opposite chromosome) from a pathogenic variant. ClinVar contains an entry for this variant (Variation ID: 100673). For these reasons, this variant has been classified as Pathogenic.

Blueprint Genetics
Classification: Pathogenic for CSPP1-related disorders. Last evaluated: 2024-10-08. Review status: criteria provided, single submitter. Criteria: ACMG Guidelines, 2015. Collection method: clinical testing. Allele origin: germline. Affected: yes. Observed: 4 variant alleles.

New York Genome Center
Classification: Pathogenic for Joubert syndrome 21. Last evaluated: 2020-04-25. Review status: criteria provided, single submitter. Criteria: NYGC Assertion Criteria 2020. Collection method: clinical testing. Allele origin: germline. Observed: 1 heterozygote. Study: CSER-NYCKidSeq.

UW Hindbrain Malformation Research Program, University of Washington
Classification: Pathogenic for Joubert syndrome 21. Last evaluated: 2015-02-23. Review status: criteria provided, single submitter. Criteria: Bachmann-Gagescu et al. (J Med Genet. 2015). Collection method: research. Allele origin: unknown. Affected: yes.

Biochemical Molecular Genetic Laboratory, King Abdulaziz Medical City
Classification: Pathogenic for Joubert syndrome 21. Last evaluated: 2019-01-29. Review status: no assertion criteria provided. Collection method: clinical testing. Allele origin: germline. Affected: yes. Not counted in ClinVar's aggregate classification.

OMIM
Classification: Pathogenic for JOUBERT SYNDROME 21. Last evaluated: 2014-01-02. Review status: no assertion criteria provided. Collection method: literature only. Allele origin: germline. Not counted in ClinVar's aggregate classification.

GeneReviews
No classification provided. Condition: Joubert syndrome 21. Review status: no classification provided. Collection method: literature only. Allele origin: germline. Not counted in ClinVar's aggregate classification.

Literature cited by the submitters: PubMed 24360807 (cited by Labcorp Genetics (formerly Invitae), Labcorp); PubMed 24360808 (cited by Labcorp Genetics (formerly Invitae), Labcorp); PubMed 24360803 (cited by Labcorp Genetics (formerly Invitae), Labcorp and OMIM); PubMed 26092869 (cited by Labcorp Genetics (formerly Invitae), Labcorp); NCBI Bookshelf NBK1325 (cited by GeneReviews); PubMed 20301500 (cited by GeneReviews).